The following is an entry in ClinVar:

NM_000603.5(NOS3):c.1752+899G>A

Gene: NOS3 (nitric oxide synthase 3; plus strand). Cytogenetic location: 7q36.1.
Variant type: single nucleotide variant.
Coding change: c.1752+899G>A on transcript NM_000603.5 (MANE Select); 899 bases into the intron after coding-DNA position 1752, G replaced by A.
Molecular consequence: intron variant. On other transcripts: missense variant (1).
Genome position (GRCh38, 1-based): chr7:151,003,203, G>A. VCF-style: chr7-151003203-G-A. GRCh37 (hg19) VCF-style: chr7-150700291-G-A.
Other names: c.1805G>A, p.Cys602Tyr (NM_001160111.1); c.1753-454G>A (NM_001160109.2); c.1753-108G>A (NM_001160110.1); short protein forms C602Y.
Identifiers: ClinVar variation 403247 (VCV000403247.7), dbSNP rs79467411, ClinGen allele CA4567099.
Genomic context (GRCh38, chr7:151,003,203, plus strand): 5'-TGAGACAGGGTCTCACTTTGTGGCCCAGGCTGGAGTGCAGTAGTACAATCACGGCTCACT[G>A]CAGCCTCAACCTCCTAGACTCAAGCAATCCTCCCACTTCAACCTCCCAAGTAGTTGGGAC-3'

ClinVar aggregate classification (germline): Benign. Review status: criteria provided, multiple submitters, no conflicts (2 of 4 stars). 3 submissions from 3 submitters: Benign (2). 1 of the submissions does not count toward it. Last evaluated 2016-03-28.

Conditions:
NOS3-related disorder. Also called: NOS3-related condition.

Allele frequency attached by ClinVar (database versions not stated): gnomAD exomes 0.09154 and 0.09321; TOPMed 0.10032; gnomAD 0.10130 and 0.10207; 1000 Genomes Project 30x 0.12305; 1000 Genomes Project 0.12360; ExAC 0.13048.
gnomAD v4.1: 43,383 of 452,870 alleles (9.6%); highest among the groups gnomAD compares: African/African-American, 15%; 2,419 homozygotes.

Submissions (3):

Laboratory for Molecular Medicine, Mass General Brigham Personalized Medicine
Classification: Benign. Last evaluated: 2016-03-28. Review status: criteria provided, single submitter. Criteria: LMM Criteria. Collection method: clinical testing. Allele origin: germline.
Comment: Variant identified in a genome or exome case(s) and assessed due to predicted null impact of the variant or pathogenic assertions in the literature or databases. Disclaimer: This variant has not undergone full assessment. The following are preliminary notes: Frequency

Breakthrough Genomics
Classification: Benign. Review status: criteria provided, single submitter. Criteria: ACMG Guidelines, 2015. Collection method: not provided. Allele origin: germline. Inheritance: Autosomal dominant inheritance. Affected: yes.

PreventionGenetics, part of Exact Sciences
Classification: Benign for NOS3-related condition. Last evaluated: 2019-12-02. Review status: no assertion criteria provided. Collection method: clinical testing. Allele origin: germline. Not counted in ClinVar's aggregate classification.
Comment: This variant is classified as benign based on ACMG/AMP sequence variant interpretation guidelines (Richards et al. 2015 PMID: 25741868, with internal and published modifications).